The following is an entry in ClinVar:

NM_018062.4(FANCL):c.903+6T>A

Gene: FANCL (FA complementation group L; minus strand). Cytogenetic location: 2p16.1.
Variant type: single nucleotide variant.
Coding change: c.903+6T>A on transcript NM_018062.4 (MANE Select); 6 bases into the intron after coding-DNA position 903, T replaced by A.
Molecular consequence: intron variant.
Genome position (GRCh38, 1-based): chr2:58,162,860, A>T on the plus strand (T>A on the coding strand, the complement: FANCL is on the minus strand). VCF-style: chr2-58162860-A-T. GRCh37 (hg19) VCF-style: chr2-58389995-A-T.
Other names: c.948+6T>A (NM_001374615.1); c.918+6T>A (NM_001114636.2); c.963+6T>A (NM_001410792.1).
Identifiers: ClinVar variation 1899624 (VCV001899624.5), dbSNP rs1185433123, ClinGen allele CA532804859.

ClinVar aggregate classification (germline): Uncertain significance (1 of 4 stars; one submission).

Conditions:
Fanconi anemia (FA). Also called: Fanconi's anemia. Identifiers: Orphanet 84, MedGen C0015625, MeSH D005199, MONDO:0019391.

Allele frequency attached by ClinVar (database versions not stated): gnomAD exomes below 0.00001.
gnomAD v4.1: 1 of 1,609,142 alleles (0.000062%); highest among the groups gnomAD compares: East Asian, 0.0022%; no homozygotes.

Submission:

Labcorp Genetics (formerly Invitae), Labcorp
Classification: Uncertain significance for Fanconi anemia. Last evaluated: 2025-07-21. Review status: criteria provided, single submitter. Criteria: Invitae Variant Classification Sherloc (09022015). Collection method: clinical testing. Allele origin: germline.
Comment: This sequence change falls in intron 11 of the FANCL gene. It does not directly change the encoded amino acid sequence of the FANCL protein. It affects a nucleotide within the consensus splice site. This variant is present in population databases (no rsID available, gnomAD 0.006%). This variant has not been reported in the literature in individuals affected with FANCL-related conditions. ClinVar contains an entry for this variant (Variation ID: 1899624). Variants that disrupt the consensus splice site are a relatively common cause of aberrant splicing (PMID: 17576681, 9536098). Algorithms developed to predict the effect of sequence changes on RNA splicing suggest that this variant may disrupt the consensus splice site. In summary, the available evidence is currently insufficient to determine the role of this variant in disease. Therefore, it has been classified as a Variant of Uncertain Significance.

Literature cited by the submitters: PubMed 17576681; PubMed 9536098.